The following is an entry in ClinVar:

ClinVar aggregate classification (germline): Likely benign. Review status: criteria provided, single submitter (1 of 4 stars). 2 submissions from 2 submitters: Likely benign (1). 1 of the submissions does not count toward it. Last evaluated 2025-04-22.

Conditions:
DYNC1H1-related disorder. Also called: DYNC1H1-related condition; DYNC1H1-related disorders. Identifiers: MedGen CN381529.
Charcot-Marie-Tooth disease axonal type 2O. Also called: CHARCOT-MARIE-TOOTH NEUROPATHY, AXONAL, TYPE 2O; CHARCOT-MARIE-TOOTH DISEASE, AXONAL, AUTOSOMAL DOMINANT, TYPE 2O; Charcot-Marie-Tooth Neuropathy Type 2O; Charcot-Marie-Tooth disease, axonal, type 20. Identifiers: Orphanet 284232, MedGen C3280220, MONDO:0013644, OMIM 614228.

Allele frequency attached by ClinVar (database versions not stated): ExAC 0.00002; gnomAD 0.00002; TOPMed 0.00002; gnomAD exomes 0.00003 and 0.00004.
gnomAD v4.1: 52 of 1,614,040 alleles (0.0032%); highest among the groups gnomAD compares: Admixed American, 0.01%; no homozygotes.

Submissions (2):

Labcorp Genetics (formerly Invitae), Labcorp
Classification: Likely benign for Charcot-Marie-Tooth disease axonal type 2O. Last evaluated: 2025-04-22. Review status: criteria provided, single submitter. Criteria: Invitae Variant Classification Sherloc (09022015). Collection method: clinical testing. Allele origin: germline.

PreventionGenetics, part of Exact Sciences
Classification: Likely benign for DYNC1H1-related condition. Last evaluated: 2024-03-25. Review status: no assertion criteria provided. Collection method: clinical testing. Allele origin: germline. Not counted in ClinVar's aggregate classification.
Comment: This variant is classified as likely benign based on ACMG/AMP sequence variant interpretation guidelines (Richards et al. 2015 PMID: 25741868, with internal and published modifications).

NM_001376.5(DYNC1H1):c.9216G>A (p.Ser3072=)

Genes: DYNC1H1 (dynein cytoplasmic 1 heavy chain 1; plus strand), LOC126862060 (BRD4-independent group 4 enhancer GRCh37_chr14:102493659-102494858; plus strand). Cytogenetic location: 14q32.31.
Variant type: single nucleotide variant.
Coding change: c.9216G>A on transcript NM_001376.5 (MANE Select); coding-DNA position 9216, G replaced by A.
Protein change: p.Ser3072=; no amino-acid change (serine 3072 retained).
Molecular consequence: synonymous variant.
Genome position (GRCh38, 1-based): chr14:102,027,786, G>A. VCF-style: chr14-102027786-G-A. GRCh37 (hg19) VCF-style: chr14-102494123-G-A.
Identifiers: ClinVar variation 656530 (VCV000656530.10), dbSNP rs752518392, ClinGen allele CA7353180.
Genomic context (GRCh38, chr14:102,027,786, plus strand): 5'-GTGGTTCACTAGCCAGGTTATCCGCAACCTCCACGTCGTGTTCACCATGAACCCGTCCTC[G>A]GAGGGACTCAAGGACCGGGCAGCTACATCACCAGCACTTTTCAACAGGTACGTGGGCCTT-3'
Protein context (NP_001367.2, residues 3062-3082): LHVVFTMNPS[Ser3072=]EGLKDRAATS